The following is an entry in ClinVar:

NM_017780.4(CHD7):c.4757del (p.Lys1586fs)

Gene: CHD7 (chromodomain helicase DNA binding protein 7; plus strand). Cytogenetic location: 8q12.2.
Variant type: Deletion.
Coding change: c.4757del on transcript NM_017780.4 (MANE Select); coding-DNA position 4757, one base deleted (A; older notation c.4757delA).
Protein change: p.Lys1586fs; shifts the reading frame from lysine 1586.
Molecular consequence: frameshift variant. On other transcripts: intron variant (1).
Genome position (GRCh38, 1-based): chr8:60,841,959, A deleted; the last of 4 consecutive A bases (chr8:60,841,956-60,841,959); deleting any one gives the same sequence. VCF-style (leftmost placement, unchanged base first): chr8-60841955-GA-G. GRCh37 (hg19) VCF-style: chr8-61754514-GA-G.
Other names: c.1717-20270del (NM_001316690.1); short protein forms K1586fs.
Identifiers: ClinVar variation 2818061 (VCV002818061.3), dbSNP rs2487947134, ClinGen allele CA2739268817.

ClinVar aggregate classification (germline): Pathogenic (1 of 4 stars; one submission).

Conditions:
CHARGE syndrome (CHARGE). Also called: Hittner Hirsch Kreh syndrome; CHARGE ASSOCIATION--COLOBOMA, HEART ANOMALY, CHOANAL ATRESIA, RETARDATION, GENITAL AND EAR ANOMALIES; Coloboma, heart anomaly, choanal atresia, retardation, genital and ear anomalies; CHARGE association; Hall-Hittner syndrome. Identifiers: Orphanet 138, MedGen C0265354, MONDO:0008965.

Submission:

Labcorp Genetics (formerly Invitae), Labcorp
Classification: Pathogenic for CHARGE syndrome. Last evaluated: 2022-12-02. Review status: criteria provided, single submitter. Criteria: Invitae Variant Classification Sherloc (09022015). Collection method: clinical testing. Allele origin: germline.
Comment: This variant has not been reported in the literature in individuals affected with CHD7-related conditions. This variant is not present in population databases (gnomAD no frequency). This sequence change creates a premature translational stop signal (p.Lys1586Serfs*54) in the CHD7 gene. It is expected to result in an absent or disrupted protein product. Loss-of-function variants in CHD7 are known to be pathogenic (PMID: 22461308, 25077900). For these reasons, this variant has been classified as Pathogenic.

Literature cited by the submitters: PubMed 22461308; PubMed 25077900.